The following is an entry in ClinVar:

NM_001205293.3(CACNA1E):c.5077C>T (p.Arg1693Cys)

Gene: CACNA1E (calcium voltage-gated channel subunit alpha1 E; plus strand). Cytogenetic location: 1q25.3.
Variant type: single nucleotide variant.
Coding change: c.5077C>T on transcript NM_001205293.3 (MANE Select); coding-DNA position 5077, C replaced by T.
Protein change: p.Arg1693Cys; replaces arginine 1693 with cysteine.
Molecular consequence: missense variant.
Genome position (GRCh38, 1-based): chr1:181,772,169, C>T. VCF-style: chr1-181772169-C-T. GRCh37 (hg19) VCF-style: chr1-181741305-C-T.
Other names: c.5077C>T, p.Arg1693Cys (NM_000721.4); c.5020C>T, p.Arg1674Cys (NM_001205294.2); short protein forms R1674C, R1693C.
Identifiers: ClinVar variation 1904131 (VCV001904131.5), dbSNP rs745342948, ClinGen allele CA1276014.
Genomic context (GRCh38, chr1:181,772,169, plus strand): 5'-CTTGGGGAGAAGGGCTGTGAGCCTGACACCACCGCACCATCAGGGCAGAACGAGAACGAA[C>T]GCTGCGGCACCGATCTGGCCTACGTGTACTTTGTCTCCTTCATCTTCTTCTGCTCCTTCT-3'
Protein context (NP_001192222.1, residues 1683-1703): TAPSGQNENE[Arg1693Cys]CGTDLAYVYF

ClinVar aggregate classification (germline): Uncertain significance (1 of 4 stars; one submission).

Allele frequency attached by ClinVar (database versions not stated): TOPMed 0.00001; ExAC 0.00002; gnomAD exomes 0.00002; gnomAD 0.00001.
gnomAD v4.1: 35 of 1,613,842 alleles (0.0022%); highest among the groups gnomAD compares: Non-Finnish European, 0.0026%; no homozygotes.

Submission:

Labcorp Genetics (formerly Invitae), Labcorp
Classification: Uncertain significance. Last evaluated: 2025-08-01. Review status: criteria provided, single submitter. Criteria: Invitae Variant Classification Sherloc (09022015). Collection method: clinical testing. Allele origin: germline.
Comment: This sequence change replaces arginine, which is basic and polar, with cysteine, which is neutral and slightly polar, at codon 1693 of the CACNA1E protein (p.Arg1693Cys). The frequency data for this variant in the population databases is considered unreliable, as metrics indicate poor data quality at this position in the gnomAD database. This variant has not been reported in the literature in individuals affected with CACNA1E-related conditions. ClinVar contains an entry for this variant (Variation ID: 1904131). Invitae Evidence Modeling of protein sequence and biophysical properties (such as structural, functional, and spatial information, amino acid conservation, physicochemical variation, residue mobility, and thermodynamic stability) has been performed for this missense variant. However, the output from this modeling did not meet the statistical confidence thresholds required to predict the impact of this variant on CACNA1E protein function. In summary, the available evidence is currently insufficient to determine the role of this variant in disease. Therefore, it has been classified as a Variant of Uncertain Significance.